The following is an entry in ClinVar:

ClinVar aggregate classification (germline): Benign/Likely benign. Review status: criteria provided, multiple submitters, no conflicts (2 of 4 stars). 4 submissions from 4 submitters: Benign (1); Likely benign (3). Last evaluated 2026-06-24.

Conditions:
Hereditary cancer-predisposing syndrome. Also called: Hereditary neoplastic syndrome; Neoplastic Syndromes, Hereditary; Hereditary Cancer Syndrome; Tumor predisposition. Identifiers: Orphanet 140162, MedGen C0027672, MeSH D009386, MONDO:0015356.
Retinoblastoma (RB1). Also called: RETINOBLASTOMA, SOMATIC. Identifiers: Orphanet 790, MedGen C0035335, MeSH D012175, MONDO:0008380, OMIM 180200, HP:0009919. Disease mechanism: loss of function. Inheritance: Both sporadic and heritable forms are tested..

Allele frequency attached by ClinVar (database versions not stated): gnomAD exomes below 0.00001 and 0.00002; gnomAD 0.00001; ESP Exome Variant Server 0.00008; ExAC 0.00002; TOPMed 0.00002.
gnomAD v4.1: 31 of 1,612,320 alleles (0.0019%); highest among the groups gnomAD compares: Non-Finnish European, 0.0025%; no homozygotes.

Submissions (4):

Myriad Genetics, Inc.
Classification: Benign for Retinoblastoma. Last evaluated: 2026-06-24. Review status: criteria provided, single submitter. Criteria: Myriad Autosomal Dominant, Autosomal Recessive and X-Linked Classification Criteria (2023). Collection method: clinical testing. Allele origin: unknown.
Comment: This variant is considered benign. This variant is a silent/synonymous amino acid change and it is not expected to impact splicing.

Labcorp Genetics (formerly Invitae), Labcorp
Classification: Likely benign for Retinoblastoma. Last evaluated: 2026-01-13. Review status: criteria provided, single submitter. Criteria: Invitae Variant Classification Sherloc (09022015). Collection method: clinical testing. Allele origin: germline.

All of Us Research Program, National Institutes of Health
Classification: Likely benign for Retinoblastoma. Last evaluated: 2024-07-20. Review status: criteria provided, single submitter. Criteria: ACMG Guidelines, 2015. Collection method: clinical testing. Allele origin: germline. Inheritance: Autosomal dominant inheritance. Observed: 4 variant alleles, 4 heterozygotes.
Comment: This study involves interpretation of variants in research participants for the purpose of population health screening. Participant phenotype was not available at the time of variant classification. Additional details can be found in publication PMID: 35346344, PMCID: PMC8962531

Ambry Genetics
Classification: Likely benign for Hereditary cancer-predisposing syndrome. Last evaluated: 2019-09-17. Review status: criteria provided, single submitter. Criteria: Ambry Variant Classification Scheme 2023. Collection method: clinical testing. Allele origin: germline.

NM_000321.3(RB1):c.658C>T (p.Leu220=)

Gene: RB1 (RB transcriptional corepressor 1; plus strand). Cytogenetic location: 13q14.2.
Variant type: single nucleotide variant.
Coding change: c.658C>T on transcript NM_000321.3 (MANE Select); coding-DNA position 658, C replaced by T.
Protein change: p.Leu220=; no amino-acid change (leucine 220 retained).
Molecular consequence: synonymous variant.
Genome position (GRCh38, 1-based): chr13:48,360,067, C>T. VCF-style: chr13-48360067-C-T. GRCh37 (hg19) VCF-style: chr13-48934203-C-T.
Identifiers: ClinVar variation 237676 (VCV000237676.18), dbSNP rs367960214, ClinGen allele CA039161.